The following is an entry in ClinVar:

NM_015450.3(POT1):c.892del (p.Thr298fs)

Gene: POT1 (protection of telomeres 1; minus strand). Cytogenetic location: 7q31.33.
Variant type: Deletion.
Coding change: c.892del on transcript NM_015450.3 (MANE Select); coding-DNA position 892, one base deleted (A; older notation c.892delA).
Protein change: p.Thr298fs; shifts the reading frame from threonine 298.
Molecular consequence: frameshift variant. On other transcripts: non-coding transcript variant (3).
Genome position (GRCh38, 1-based): chr7:124,851,929, T deleted on the plus strand (A on the coding strand, the reverse complement: POT1 is on the minus strand). VCF-style (leftmost placement, unchanged base first): chr7-124851928-GT-G. GRCh37 (hg19) VCF-style: chr7-124491982-GT-G.
Other names: c.499del, p.Thr167fs (NM_001042594.2); short protein forms T167fs, T298fs.
Identifiers: ClinVar variation 2819595 (VCV002819595.3), dbSNP rs2485437209, ClinGen allele CA2739278860.

ClinVar aggregate classification (germline): Pathogenic (1 of 4 stars; one submission).

Conditions:
Tumor predisposition syndrome 3 (TPDS3). Also called: Melanoma, cutaneous malignant, susceptibility to, 10; LONG TELOMERE SYNDROME, POT1-RELATED; POT1 Tumor Predisposition; Glioma susceptibility 9. Identifiers: Orphanet 618, MedGen C4014476, MONDO:0014368, OMIM 615848.

Submission:

Labcorp Genetics (formerly Invitae), Labcorp
Classification: Pathogenic for Tumor predisposition syndrome 3. Last evaluated: 2025-04-17. Review status: criteria provided, single submitter. Criteria: Invitae Variant Classification Sherloc (09022015). Collection method: clinical testing. Allele origin: germline.
Comment: This sequence change creates a premature translational stop signal (p.Thr298Glnfs*29) in the POT1 gene. It is expected to result in an absent or disrupted protein product. Loss-of-function variants in POT1 are known to be pathogenic (PMID: 32155570). This variant is not present in population databases (gnomAD no frequency). This variant has not been reported in the literature in individuals affected with POT1-related conditions. ClinVar contains an entry for this variant (Variation ID: 2819595). For these reasons, this variant has been classified as Pathogenic.

Literature cited by the submitters: PubMed 32155570.